The following is an entry in ClinVar:

NM_014865.4(NCAPD2):c.1526A>G (p.Asn509Ser)

Gene: NCAPD2 (non-SMC condensin I complex subunit D2; plus strand). Cytogenetic location: 12p13.31.
Variant type: single nucleotide variant.
Coding change: c.1526A>G on transcript NM_014865.4 (MANE Select); coding-DNA position 1526, A replaced by G.
Protein change: p.Asn509Ser; replaces asparagine 509 with serine.
Molecular consequence: missense variant.
Genome position (GRCh38, 1-based): chr12:6,517,896, A>G. VCF-style: chr12-6517896-A-G. GRCh37 (hg19) VCF-style: chr12-6627062-A-G.
Other names: short protein forms N509S.
Identifiers: ClinVar variation 1030383 (VCV001030383.2), dbSNP rs145893978, ClinGen allele CA6408424.
Genomic context (GRCh38, chr12:6,517,896, plus strand): 5'-CCCTGCAGCAGCTTCTACAGCTTCCCCAGGGAGAGGAGGAGATTCCTGAGCAAATTGCCA[A>G]TACAGAGACAACTGAAGATGTGAAAGGACGCATCTATCAACTGCTTGCCAAAGCTAGTTA-3'
Protein context (NP_055680.3, residues 499-519): GEEEIPEQIA[Asn509Ser]TETTEDVKGR

ClinVar aggregate classification (germline): Uncertain significance. Review status: criteria provided, multiple submitters, no conflicts (2 of 4 stars). 2 submissions from 2 submitters: Uncertain significance (2). Last evaluated 2024-12-17.

Conditions:
Microcephaly 21, primary, autosomal recessive. Identifiers: MedGen C4693831, MONDO:0054804, OMIM 617983.
Inborn genetic diseases. Identifiers: MedGen C0950123, MeSH D030342.

Allele frequency attached by ClinVar (database versions not stated): TOPMed 0.00003; ExAC 0.00001; 1000 Genomes Project 30x 0.00016; gnomAD 0.00001; gnomAD exomes 0.00002; 1000 Genomes Project 0.00020.
gnomAD v4.1: 36 of 1,614,200 alleles (0.0022%); highest among the groups gnomAD compares: Middle Eastern, 0.1%; no homozygotes.

Submissions (2):

Ambry Genetics
Classification: Uncertain significance for Inborn genetic diseases. Last evaluated: 2024-12-17. Review status: criteria provided, single submitter. Criteria: Ambry Variant Classification Scheme 2023. Collection method: clinical testing. Allele origin: germline.

Baylor Genetics
Classification: Uncertain significance for Microcephaly 21, primary, autosomal recessive. Last evaluated: 2020-02-13. Review status: criteria provided, single submitter. Criteria: ACMG Guidelines, 2015. Collection method: clinical testing. Allele origin: unknown. Affected: yes.
Comment: This variant was determined to be of uncertain significance according to ACMG Guidelines, 2015 [PMID:25741868].